The following is an entry in ClinVar:

NM_025074.7(FRAS1):c.4903C>T (p.Arg1635Trp)

Gene: FRAS1 (Fraser extracellular matrix complex subunit 1; plus strand). Cytogenetic location: 4q21.21.
Variant type: single nucleotide variant.
Coding change: c.4903C>T on transcript NM_025074.7 (MANE Select); coding-DNA position 4903, C replaced by T.
Protein change: p.Arg1635Trp; replaces arginine 1635 with tryptophan.
Molecular consequence: missense variant.
Genome position (GRCh38, 1-based): chr4:78,430,351, C>T. VCF-style: chr4-78430351-C-T. GRCh37 (hg19) VCF-style: chr4-79351505-C-T.
Other names: c.4903C>T, p.Arg1635Trp (NM_001166133.2); c.4903C>T (NM_025074.6); short protein forms R1635W.
Identifiers: ClinVar variation 1460753 (VCV001460753.6), dbSNP rs764372113, ClinGen allele CA2977363.

ClinVar aggregate classification (germline): Uncertain significance. Review status: criteria provided, multiple submitters, no conflicts (2 of 4 stars). 3 submissions from 3 submitters: Uncertain significance (3). Last evaluated 2025-04-08.

Conditions:
Inborn genetic diseases. Identifiers: MedGen C0950123, MeSH D030342.
Fraser syndrome 1 (FRASRS1). Also called: CRYPTOPHTHALMOS WITH OTHER MALFORMATIONS. Identifiers: Orphanet 2052, MedGen C4551480, MONDO:0054737, OMIM 219000.

Allele frequency attached by ClinVar (database versions not stated): ExAC 0.00004; gnomAD exomes 0.00004 and 0.00005; gnomAD 0.00006 and 0.00008; TOPMed 0.00006.
gnomAD v4.1: 81 of 1,613,726 alleles (0.005%); highest among the groups gnomAD compares: African/African-American, 0.016%; 1 homozygote.

Submissions (3):

Labcorp Genetics (formerly Invitae), Labcorp
Classification: Uncertain significance. Last evaluated: 2025-04-08. Review status: criteria provided, single submitter. Criteria: Invitae Variant Classification Sherloc (09022015). Collection method: clinical testing. Allele origin: germline.
Comment: This sequence change replaces arginine, which is basic and polar, with tryptophan, which is neutral and slightly polar, at codon 1635 of the FRAS1 protein (p.Arg1635Trp). This variant is present in population databases (rs764372113, gnomAD 0.02%). This variant has not been reported in the literature in individuals affected with FRAS1-related conditions. ClinVar contains an entry for this variant (Variation ID: 1460753). Invitae Evidence Modeling of protein sequence and biophysical properties (such as structural, functional, and spatial information, amino acid conservation, physicochemical variation, residue mobility, and thermodynamic stability) indicates that this missense variant is not expected to disrupt FRAS1 protein function with a negative predictive value of 80%. In summary, the available evidence is currently insufficient to determine the role of this variant in disease. Therefore, it has been classified as a Variant of Uncertain Significance.

Ambry Genetics
Classification: Uncertain significance for Inborn genetic diseases. Last evaluated: 2024-07-14. Review status: criteria provided, single submitter. Criteria: Ambry Variant Classification Scheme 2023. Collection method: clinical testing. Allele origin: germline.

Fulgent Genetics
Classification: Uncertain significance for Fraser syndrome 1. Last evaluated: 2024-04-16. Review status: criteria provided, single submitter. Criteria: ACMG Guidelines, 2015. Collection method: clinical testing. Allele origin: germline.